The following is an entry in ClinVar:

ClinVar aggregate classification (germline): Pathogenic (1 of 4 stars; one submission).

Conditions:
Primary ciliary dyskinesia 3. Identifiers: Orphanet 244, MedGen C1837618, MONDO:0012085, OMIM 608644.

Submission:

Myriad Genetics, Inc.
Classification: Pathogenic for Primary ciliary dyskinesia 3. Last evaluated: 2024-05-14. Review status: criteria provided, single submitter. Criteria: Myriad Autosomal Dominant, Autosomal Recessive and X-Linked Classification Criteria (2023). Collection method: clinical testing. Allele origin: unknown.
Comment: NM_001369.2(DNAH5):c.7831_7832del2ins10(C2611Gfs*6) is expected to be pathogenic in the context of primary ciliary dyskinesia, DNAH5-related. This variant is predicted to lead to an abnormal or absent protein product due to the creation of a premature termination codon in DNAH5, a gene where loss-of-function variants are known to be pathogenic. Please note: this variant was assessed in the context of healthy population screening.

NM_001369.3(DNAH5):c.7831_7832delinsGGCGGTTGGA (p.Cys2611fs)

Gene: DNAH5 (dynein axonemal heavy chain 5; minus strand). Cytogenetic location: 5p15.2.
Variant type: Indel.
Coding change: c.7831_7832delinsGGCGGTTGGA on transcript NM_001369.3 (MANE Select); coding-DNA positions 7831 to 7832, TG replaced by GGCGGTTGGA.
Protein change: p.Cys2611fs; shifts the reading frame from cysteine 2611.
Molecular consequence: frameshift variant.
Genome position (GRCh38, 1-based): chr5:13,807,646-13,807,647, CA replaced by TCCAACCGCC on the plus strand (TG replaced by GGCGGTTGGA on the coding strand, the reverse complement: DNAH5 is on the minus strand). VCF-style: chr5-13807646-CA-TCCAACCGCC. GRCh37 (hg19) VCF-style: chr5-13807755-CA-TCCAACCGCC.
Other names: short protein forms C2611fs.
Identifiers: ClinVar variation 5010391 (VCV005010391.1).